The following is an entry in ClinVar:

NM_001164508.2(NEB):c.11708G>A (p.Arg3903Lys)

Gene: NEB (nebulin; minus strand). Cytogenetic location: 2q23.3.
Variant type: single nucleotide variant.
Coding change: c.11708G>A on transcript NM_001164508.2 (MANE Select); coding-DNA position 11708, G replaced by A.
Protein change: p.Arg3903Lys; replaces arginine 3903 with lysine.
Molecular consequence: missense variant.
Genome position (GRCh38, 1-based): chr2:151,612,283, C>T on the plus strand (G>A on the coding strand, the complement: NEB is on the minus strand). VCF-style: chr2-151612283-C-T. GRCh37 (hg19) VCF-style: chr2-152468797-C-T.
Other names: c.11708G>A, p.Arg3903Lys (NM_001164507.2, NM_001271208.2); c.10979G>A, p.Arg3660Lys (NM_004543.5); short protein forms R3903K, R3660K.
Identifiers: ClinVar variation 1495350 (VCV001495350.5), dbSNP rs2098010006, ClinGen allele CA348780226.

ClinVar aggregate classification (germline): Uncertain significance (1 of 4 stars; one submission).

Conditions:
Nemaline myopathy 2 (NEM2). Also called: Nemaline myopathy 2, autosomal recessive. Identifiers: MedGen C1850569, MONDO:0009725, OMIM 256030.

Submission:

Labcorp Genetics (formerly Invitae), Labcorp
Classification: Uncertain significance for Nemaline myopathy 2. Last evaluated: 2021-08-28. Review status: criteria provided, single submitter. Criteria: Invitae Variant Classification Sherloc (09022015). Collection method: clinical testing. Allele origin: germline.
Comment: This sequence change replaces arginine with lysine at codon 3903 of the NEB protein (p.Arg3903Lys). The arginine residue is moderately conserved and there is a small physicochemical difference between arginine and lysine. This variant is not present in population databases (ExAC no frequency). This variant has not been reported in the literature in individuals affected with NEB-related conditions. Algorithms developed to predict the effect of missense changes on protein structure and function output the following: SIFT: "Deleterious"; PolyPhen-2: "Not Available"; Align-GVGD: "Class C0". The lysine amino acid residue is found in multiple mammalian species, which suggests that this missense change does not adversely affect protein function. In summary, the available evidence is currently insufficient to determine the role of this variant in disease. Therefore, it has been classified as a Variant of Uncertain Significance.